The following is an entry in ClinVar:

NM_001458.5(FLNC):c.8174C>G (p.Pro2725Arg)

Genes: FLNC-AS1 (FLNC antisense RNA 1; minus strand), FLNC (filamin C; plus strand). Cytogenetic location: 7q32.1.
Variant type: single nucleotide variant.
Coding change: c.8174C>G on transcript NM_001458.5 (MANE Select); coding-DNA position 8174, C replaced by G.
Protein change: p.Pro2725Arg; replaces proline 2725 with arginine.
Molecular consequence: missense variant.
Genome position (GRCh38, 1-based): chr7:128,858,519, C>G. VCF-style: chr7-128858519-C-G. GRCh37 (hg19) VCF-style: chr7-128498573-C-G.
Other names: c.8075C>G, p.Pro2692Arg (NM_001127487.2); short protein forms P2725R, P2692R.
Identifiers: ClinVar variation 1467621 (VCV001467621.6), dbSNP rs2128940731, ClinGen allele CA369222274.

ClinVar aggregate classification (germline): Uncertain significance (1 of 4 stars; one submission).

Conditions:
Hypertrophic cardiomyopathy 26. Also called: Cardiomyopathy, familial hypertrophic, 26. Identifiers: Orphanet 75249, MedGen C4310749, MONDO:0014883, OMIM 617047.
Myofibrillar myopathy 5. Also called: FILAMINOPATHY, AUTOSOMAL DOMINANT; Filaminopathy (type). Identifiers: Orphanet 171445, MedGen C1836050, MONDO:0012289, OMIM 609524.
Distal myopathy with posterior leg and anterior hand involvement. Also called: WILLIAMS DISTAL MYOPATHY. Identifiers: Orphanet 63273, MedGen C3279722, MONDO:0013550, OMIM 614065.

Submission:

Labcorp Genetics (formerly Invitae), Labcorp
Classification: Uncertain significance for Distal myopathy with posterior leg and anterior hand involvement; Myofibrillar myopathy 5; Hypertrophic cardiomyopathy 26. Last evaluated: 2021-07-21. Review status: criteria provided, single submitter. Criteria: Invitae Variant Classification Sherloc (09022015). Collection method: clinical testing. Allele origin: germline.
Comment: This sequence change replaces proline with arginine at codon 2725 of the FLNC protein (p.Pro2725Arg). The proline residue is highly conserved and there is a moderate physicochemical difference between proline and arginine. This variant is not present in population databases (ExAC no frequency). This variant has not been reported in the literature in individuals affected with FLNC-related conditions. Algorithms developed to predict the effect of missense changes on protein structure and function are either unavailable or do not agree on the potential impact of this missense change (SIFT: "Deleterious"; PolyPhen-2: "Probably Damaging"; Align-GVGD: "Class C0"). Algorithms developed to predict the effect of sequence changes on RNA splicing suggest that this variant may create or strengthen a splice site. In summary, the available evidence is currently insufficient to determine the role of this variant in disease. Therefore, it has been classified as a Variant of Uncertain Significance.